The following is an entry in ClinVar:

ClinVar aggregate classification (germline): Pathogenic. Review status: criteria provided, multiple submitters, no conflicts (2 of 4 stars). 2 submissions from 2 submitters: Pathogenic (2). Last evaluated 2025-09-15.

Conditions:
Lissencephaly type 1 due to doublecortin gene mutation. Also called: LISSENCEPHALY AND AGENESIS OF CORPUS CALLOSUM; LISSENCEPHALY, X-LINKED, 1. Identifiers: Orphanet 2148, MedGen C4551968, MONDO:0010239, OMIM 300067.

Submissions (2):

GeneDx
Classification: Pathogenic. Last evaluated: 2025-09-15. Review status: criteria provided, single submitter. Criteria: GeneDx Variant Classification Process June 2021. Collection method: clinical testing. Allele origin: germline. Affected: yes.
Comment: Nonsense variant predicted to result in protein truncation or nonsense mediated decay in a gene for which loss of function is a known mechanism of disease; Not observed at significant frequency in large population cohorts (gnomAD); This variant is associated with the following publications: (PMID: 23365099)

Illumina Laboratory Services, Illumina
Classification: Pathogenic for Lissencephaly type 1 due to doublecortin gene mutation. Last evaluated: 2023-03-10. Review status: criteria provided, single submitter. Criteria: ICSLVariantClassificationCriteria RUGD 01 April 2020. Collection method: clinical testing. Allele origin: unknown.
Comment: The DCX c.505C>T (p.Gln169Ter) nonsense variant results in a premature termination of the protein at amino acid position 169. This variant is also known as c.748C>T (p.Gln250Ter) on NM_000555.3. Loss of normal protein function through either protein truncation or nonsense-mediated mRNA decay is expected. The p.Gln169Ter variant is not found in version 2.1.1 or version 3.1.2 of the Genome Aggregation Database. This variant was identified in a de novo state. Based on the available evidence, the c.505C>T (p.Gln169Ter) variant is classified as pathogenic for lissencephaly spectrum disorders.

Literature cited by the submitters: PubMed 23365099 (cited by Illumina Laboratory Services, Illumina).

NM_001195553.2(DCX):c.505C>T (p.Gln169Ter)

Gene: DCX (doublecortin; minus strand). Cytogenetic location: Xq23.
Variant type: single nucleotide variant.
Coding change: c.505C>T on transcript NM_001195553.2 (MANE Select); coding-DNA position 505, C replaced by T.
Protein change: p.Gln169Ter; replaces glutamine 169 with a stop codon.
Molecular consequence: nonsense.
Genome position (GRCh38, 1-based): chrX:111,401,190, G>A on the plus strand (C>T on the coding strand, the complement: DCX is on the minus strand). VCF-style: chrX-111401190-G-A. GRCh37 (hg19) VCF-style: chrX-110644418-G-A.
Other names: c.748C>T, p.Gln250Ter (NM_000555.3); c.505C>T, p.Gln169Ter (NM_001369370.1, NM_001369371.1, NM_001369372.1 and 5 more transcripts); short protein forms Q169*, Q250*.
Identifiers: ClinVar variation 419990 (VCV000419990.6), dbSNP rs1064794223, ClinGen allele CA16621177.
Genomic context (GRCh38, chrX:111,401,190, plus strand): 5'-CCCCACTGCGGATGATGGTAACCAGCTTGGGGCGCACAAAGTCCTTGTTCTCCCTGGCCT[G>A]TGCACTGTTGCTGCTAGCCAAGGACTGGGGGGCTTTCATATTGGCAGATGTTTTTACGTT-3'